The following is an entry in ClinVar:

NM_001353921.2(ARHGEF9):c.31-29588A>G

Gene: ARHGEF9 (Cdc42 guanine nucleotide exchange factor 9; minus strand). Cytogenetic location: Xq11.1.
Variant type: single nucleotide variant.
Coding change: c.31-29588A>G on transcript NM_001353921.2 (MANE Select); 29588 bases into the intron before coding-DNA position 31, A replaced by G.
Molecular consequence: intron variant.
Genome position (GRCh38, 1-based): chrX:63,754,299, T>C on the plus strand (A>G on the coding strand, the complement: ARHGEF9 is on the minus strand). VCF-style: chrX-63754299-T-C. GRCh37 (hg19) VCF-style: chrX-62974179-T-C.
Other names: c.30+30817A>G (NM_001173479.2); c.31-29588A>G (NM_001353922.2); c.-55+1535A>G (NM_001369043.1, NM_001330495.2); c.48+859A>G (NM_001353923.1); c.-55+720A>G (NM_001369038.1); c.-360+16A>G (NM_001369037.1); c.-55+622A>G (NM_001369041.1, NM_001369044.1, NM_001369035.1); c.-55+16A>G (NM_001369034.1, NM_001353927.2, NM_001369033.1); and 6 more.
Identifiers: ClinVar variation 939878 (VCV000939878.10), dbSNP rs2055839126, ClinGen allele CA1139667603.

ClinVar aggregate classification (germline): Uncertain significance (1 of 4 stars; one submission).

Conditions:
Developmental and epileptic encephalopathy, 8 (DEE8). Also called: HYPEREKPLEXIA AND EPILEPSY. Identifiers: Orphanet 163985, Orphanet 2076, MedGen C1845102, MONDO:0010375, OMIM 300607.

Submission:

Labcorp Genetics (formerly Invitae), Labcorp
Classification: Uncertain significance for Developmental and epileptic encephalopathy, 8. Last evaluated: 2019-10-08. Review status: criteria provided, single submitter. Criteria: Invitae Variant Classification Sherloc (09022015). Collection method: clinical testing. Allele origin: germline.
Comment: This sequence change falls in intron 1 of the ARHGEF9 gene. It does not directly change the encoded amino acid sequence of the ARHGEF9 protein, but it affects a nucleotide within the consensus splice site of the intron. This variant is not present in population databases (ExAC no frequency). This variant has not been reported in the literature in individuals with ARHGEF9-related conditions. Nucleotide substitutions within the consensus splice site are a relatively common cause of aberrant splicing (PMID: 17576681, 9536098). Algorithms developed to predict the effect of sequence changes on RNA splicing suggest that this variant may create or strengthen a splice site, but this prediction has not been confirmed by published transcriptional studies. In summary, the available evidence is currently insufficient to determine the role of this variant in disease. Therefore, it has been classified as a Variant of Uncertain Significance.

Literature cited by the submitters: PubMed 17576681; PubMed 9536098.